The following is an entry in ClinVar:

NM_000214.3(JAG1):c.2T>C (p.Met1Thr)

Gene: JAG1 (jagged canonical Notch ligand 1; minus strand). Cytogenetic location: 20p12.2.
Variant type: single nucleotide variant.
Coding change: c.2T>C on transcript NM_000214.3 (MANE Select); coding-DNA position 2, T replaced by C.
Protein change: p.Met1Thr; changes the start codon (methionine 1).
Molecular consequence: missense variant, initiator codon variant.
Genome position (GRCh38, 1-based): chr20:10,673,529, A>G on the plus strand (T>C on the coding strand, the complement: JAG1 is on the minus strand). VCF-style: chr20-10673529-A-G. GRCh37 (hg19) VCF-style: chr20-10654177-A-G.
Other names: short protein forms M1T.
Identifiers: ClinVar variation 3346087 (VCV003346087.1).

ClinVar aggregate classification (germline): Likely pathogenic (0 of 4 stars; one submission).

Conditions:
JAG1-related disorder. Also called: JAG1-related disorders; JAG1-related condition.

Submission:

PreventionGenetics, part of Exact Sciences
Classification: Likely pathogenic for JAG1-related condition. Last evaluated: 2024-05-06. Review status: no assertion criteria provided. Collection method: clinical testing. Allele origin: germline.
Comment: The JAG1 c.2T>C variant is predicted to disrupt the translation initiation site (Start Loss). This variant disrupts the translation initiation codon (Met1). To our knowledge, this variant has not been reported in the literature or in a large population database, indicating this variant is rare. An alternative variant predicted to result in start loss, described as c.3_4delGCinsTT, has been reported to occur de novo in a patient with Alagille syndrome (Colliton et al. 2001. PubMed ID: 11180599). Additionally, missense and truncating variants within exon 1, as well as deletions of exon 1, have been reported as pathogenic in patients with JAG1-related disease (Gilbert. 2019. PubMed ID: 31343788; Crosnier. 1999. PubMed ID: 10220506; Guegan. 2012. PubMed ID: 21752016). We classify this variant as likely pathogenic.